The following is an entry in ClinVar:

ClinVar aggregate classification (germline): Likely benign (1 of 4 stars; one submission).

Conditions:
Glycogen storage disease, type II (IOPD). Also called: Pompe Disease; CARDIOMEGALIA GLYCOGENICA DIFFUSA; GLYCOGENOSIS, GENERALIZED, CARDIAC FORM; GSD II; POMPE DISEASE, INFANTILE-ONSET; GLYCOGEN STORAGE DISEASE II, INFANTILE-ONSET. Identifiers: Orphanet 365, MedGen C0017921, MONDO:0009290, OMIM 232300.

gnomAD v4.1: 3 of 1,595,626 alleles (0.00019%); highest among the groups gnomAD compares: Admixed American, 0.0051%; no homozygotes.

Submission:

Genomenon, Inc
Classification: Likely benign for Glycogen storage disease, type II. Last evaluated: 2026-07-01. Review status: criteria provided, single submitter. Criteria: Genomenon Sequence Variant Interpretation Standards - Updated. Collection method: curation. Allele origin: germline.
Comment: GAA c.2799+59A>G is an intronic variant located in intron 19. This variant has been reported in the compound heterozygous and/or homozygous state in at least one individual without a confirmed diagnosis of Pompe disease (PMID:38909121). This variant is not predicted to impact splicing and at least one splicing study has also demonstrated no effect on splicing (PMID:38909121). It is absent or not present at a significant frequency in gnomAD. In conclusion, we classify GAA c.2799+59A>G as a likely benign variant.

Literature cited by the submitters: PubMed 38909121.

NM_000152.5(GAA):c.2799+59A>G

Gene: GAA (alpha glucosidase; plus strand). Cytogenetic location: 17q25.3.
Variant type: single nucleotide variant.
Coding change: c.2799+59A>G on transcript NM_000152.5 (MANE Select); 59 bases into the intron after coding-DNA position 2799, A replaced by G.
Molecular consequence: intron variant.
Genome position (GRCh38, 1-based): chr17:80,118,864, A>G. VCF-style: chr17-80118864-A-G. GRCh37 (hg19) VCF-style: chr17-78092663-A-G.
Other names: c.2799+59A>G (NM_001406741.1, NM_001406742.1, NM_001079803.3 and 1 more transcripts).
Identifiers: ClinVar variation 4876394 (VCV004876394.1).